The following is an entry in ClinVar:

ClinVar aggregate classification (germline): Uncertain significance (1 of 4 stars; one submission).

Conditions:
Arrhythmogenic cardiomyopathy with wooly hair and keratoderma. Also called: PALMOPLANTAR KERATODERMA WITH LEFT VENTRICULAR CARDIOMYOPATHY AND WOOLLY HAIR; Carvajal syndrome; Dilated cardiomyopathy with woolly hair and keratoderma; Arrhythmogenic cardiomyopathy with woolly hair and keratoderma. Identifiers: Orphanet 65282, MedGen C1854063, MONDO:0011581, OMIM 605676.
Arrhythmogenic right ventricular dysplasia 8 (ARVD8). Also called: Arrhythmogenic Right Ventricular Dysplasia/Cardiomyopathy 8; ARRHYTHMOGENIC RIGHT VENTRICULAR DYSPLASIA, FAMILIAL, 8; ARRHYTHMOGENIC RIGHT VENTRICULAR CARDIOMYOPATHY 8. Identifiers: MedGen C1843896, MONDO:0011831, OMIM 607450.

Submission:

Labcorp Genetics (formerly Invitae), Labcorp
Classification: Uncertain significance for Arrhythmogenic cardiomyopathy with wooly hair and keratoderma; Arrhythmogenic right ventricular dysplasia 8. Last evaluated: 2025-04-08. Review status: criteria provided, single submitter. Criteria: Invitae Variant Classification Sherloc (09022015). Collection method: clinical testing. Allele origin: germline.
Comment: This sequence change replaces threonine, which is neutral and polar, with isoleucine, which is neutral and non-polar, at codon 2337 of the DSP protein (p.Thr2337Ile). This variant is not present in population databases (gnomAD no frequency). This variant has not been reported in the literature in individuals affected with DSP-related conditions. An algorithm developed to predict the effect of missense changes on protein structure and function (PolyPhen-2) suggests that this variant is likely to be disruptive. In summary, the available evidence is currently insufficient to determine the role of this variant in disease. Therefore, it has been classified as a Variant of Uncertain Significance.

NM_004415.4(DSP):c.7010C>T (p.Thr2337Ile)

Gene: DSP (desmoplakin; plus strand). Cytogenetic location: 6p24.3.
Variant type: single nucleotide variant.
Coding change: c.7010C>T on transcript NM_004415.4 (MANE Select); coding-DNA position 7010, C replaced by T.
Protein change: p.Thr2337Ile; replaces threonine 2337 with isoleucine.
Molecular consequence: missense variant.
Genome position (GRCh38, 1-based): chr6:7,584,272, C>T. VCF-style: chr6-7584272-C-T. GRCh37 (hg19) VCF-style: chr6-7584505-C-T.
Other names: c.5213C>T, p.Thr1738Ile (NM_001008844.3); c.5681C>T, p.Thr1894Ile (NM_001319034.2); short protein forms T1894I, T2337I, T1738I.
Identifiers: ClinVar variation 4791159 (VCV004791159.1).